The following is an entry in ClinVar:

ClinVar aggregate classification (germline): Uncertain significance (1 of 4 stars; one submission).

Conditions:
Hypertrophic cardiomyopathy. Also called: HYPERTROPHIC MYOCARDIOPATHY. Identifiers: Orphanet 217569, MedGen C0007194, MeSH D002312, MONDO:0005045, HP:0001639.

Submission:

Labcorp Genetics (formerly Invitae), Labcorp
Classification: Uncertain significance for Hypertrophic cardiomyopathy. Last evaluated: 2024-07-30. Review status: criteria provided, single submitter. Criteria: Invitae Variant Classification Sherloc (09022015). Collection method: clinical testing. Allele origin: germline.
Comment: This sequence change replaces asparagine, which is neutral and polar, with serine, which is neutral and polar, at codon 711 of the MYH7 protein (p.Asn711Ser). This variant is not present in population databases (gnomAD no frequency). This variant has not been reported in the literature in individuals affected with MYH7-related conditions. Advanced modeling of protein sequence and biophysical properties (such as structural, functional, and spatial information, amino acid conservation, physicochemical variation, residue mobility, and thermodynamic stability) has been performed at Invitae for this missense variant, however the output from this modeling did not meet the statistical confidence thresholds required to predict the impact of this variant on MYH7 protein function. In summary, the available evidence is currently insufficient to determine the role of this variant in disease. Therefore, it has been classified as a Variant of Uncertain Significance.

NM_000257.4(MYH7):c.2132A>G (p.Asn711Ser)

Gene: MYH7 (myosin heavy chain 7; minus strand). Cytogenetic location: 14q11.2.
Variant type: single nucleotide variant.
Coding change: c.2132A>G on transcript NM_000257.4 (MANE Select); coding-DNA position 2132, A replaced by G.
Protein change: p.Asn711Ser; replaces asparagine 711 with serine.
Molecular consequence: missense variant.
Genome position (GRCh38, 1-based): chr14:23,425,994, T>C on the plus strand (A>G on the coding strand, the complement: MYH7 is on the minus strand). VCF-style: chr14-23425994-T-C. GRCh37 (hg19) VCF-style: chr14-23895203-T-C.
Other names: c.2132A>G, p.Asn711Ser (NM_001407004.1); short protein forms N711S.
Identifiers: ClinVar variation 3636036 (VCV003636036.2).